The following is an entry in ClinVar:

ClinVar aggregate classification (germline): Uncertain significance. Review status: criteria provided, multiple submitters, no conflicts (2 of 4 stars). 2 submissions from 2 submitters: Uncertain significance (2). Last evaluated 2023-08-31.

Allele frequency attached by ClinVar (database versions not stated): gnomAD exomes below 0.00001.

Submissions (2):

Women's Health and Genetics/Laboratory Corporation of America, LabCorp
Classification: Uncertain significance. Last evaluated: 2023-08-31. Review status: criteria provided, single submitter. Criteria: LabCorp Variant Classification Summary - May 2015. Collection method: clinical testing. Allele origin: germline.
Comment: Variant summary: SYT2 c.787G>A (p.Gly263Arg) results in a non-conservative amino acid change in the encoded protein sequence. Four of five in-silico tools predict a damaging effect of the variant on protein function. The variant allele was found at a frequency of 1.2e-05 in 250784 control chromosomes (gnomAD). The available data on variant occurrences in the general population are insufficient to allow any conclusion about variant significance. To our knowledge, no occurrence of c.787G>A in individuals affected with Congenital Myasthenic Syndrome 7 and no experimental evidence demonstrating its impact on protein function have been reported. No submitters have cited clinical-significance assessments for this variant to ClinVar after 2014. Based on the evidence outlined above, the variant was classified as uncertain significance.

Revvity Omics, Revvity
Classification: Uncertain significance. Last evaluated: 2023-03-27. Review status: criteria provided, single submitter. Criteria: ACMG Guidelines, 2015. Collection method: clinical testing. Allele origin: germline.

NM_177402.5(SYT2):c.787G>A (p.Gly263Arg)

Gene: SYT2 (synaptotagmin 2; minus strand). Cytogenetic location: 1q32.1.
Variant type: single nucleotide variant.
Coding change: c.787G>A on transcript NM_177402.5 (MANE Select); coding-DNA position 787, G replaced by A.
Protein change: p.Gly263Arg; replaces glycine 263 with arginine.
Molecular consequence: missense variant.
Genome position (GRCh38, 1-based): chr1:202,601,904, C>T on the plus strand (G>A on the coding strand, the complement: SYT2 is on the minus strand). VCF-style: chr1-202601904-C-T. GRCh37 (hg19) VCF-style: chr1-202571032-C-T.
Other names: c.787G>A, p.Gly263Arg (NM_001136504.1); short protein forms G263R.
Identifiers: ClinVar variation 2581476 (VCV002581476.3), dbSNP rs1360174968, ClinGen allele CA344257270.
Genomic context (GRCh38, chr1:202,601,904, plus strand): 5'-TGTACATTCGTCTTTCTGCCCAACCTGGCCTCATCTCTGCTCTTACCTCCTCCTTTTCCC[C>T]GCCTTGCAGGTCTCTCCACTCCTCAATGGGCTGGCCGAGGTCCACTGTGTTCATAGGCAC-3'
Protein context (NP_796376.2, residues 253-273): PIEEWRDLQG[Gly263Arg]EKEEPEKLGD